The following is an entry in ClinVar:

NM_206933.4(USH2A):c.14754G>A (p.Thr4918=)

Gene: USH2A (usherin; minus strand). Cytogenetic location: 1q41.
Variant type: single nucleotide variant.
Coding change: c.14754G>A on transcript NM_206933.4 (MANE Select); coding-DNA position 14754, G replaced by A.
Protein change: p.Thr4918=; no amino-acid change (threonine 4918 retained).
Molecular consequence: synonymous variant.
Genome position (GRCh38, 1-based): chr1:215,647,559, C>T on the plus strand (G>A on the coding strand, the complement: USH2A is on the minus strand). VCF-style: chr1-215647559-C-T. GRCh37 (hg19) VCF-style: chr1-215820901-C-T.
Identifiers: ClinVar variation 178571 (VCV000178571.18), dbSNP rs150286388, ClinGen allele CA182582.

ClinVar aggregate classification (germline): Benign/Likely benign. Review status: criteria provided, multiple submitters, no conflicts (2 of 4 stars). 6 submissions from 5 submitters: Benign (3); Likely benign (3). Last evaluated 2026-01-19.

Conditions:
Retinitis pigmentosa 39 (RP39). Identifiers: Orphanet 791, MedGen C3151138, MONDO:0013436, OMIM 613809.
Usher syndrome type 2A. Also called: USHER SYNDROME, TYPE IIA; RETINAL DISEASE IN USHER SYNDROME TYPE IIA, MODIFIER OF. Identifiers: Orphanet 231178, Orphanet 886, MedGen C1848634, MONDO:0010169, OMIM 276901.

Allele frequency attached by ClinVar (database versions not stated): gnomAD exomes 0.00007 and 0.00024; ExAC 0.00031; gnomAD 0.00078 and 0.00081; TOPMed 0.00085; ESP Exome Variant Server 0.00108; 1000 Genomes Project 0.00120; 1000 Genomes Project 30x 0.00125.
gnomAD v4.1: 227 of 1,614,120 alleles (0.014%); highest among the groups gnomAD compares: African/African-American, 0.22%; 1 homozygote.

Submissions (6):

Labcorp Genetics (formerly Invitae), Labcorp
Classification: Benign. Last evaluated: 2026-01-19. Review status: criteria provided, single submitter. Criteria: Invitae Variant Classification Sherloc (09022015). Collection method: clinical testing. Allele origin: germline.

Blueprint Genetics
Classification: Likely benign. Last evaluated: 2023-11-09. Review status: criteria provided, single submitter. Criteria: ACMG Guidelines, 2015. Collection method: clinical testing. Allele origin: germline.

Genome-Nilou Lab
Classification: Benign for Retinitis pigmentosa 39. Last evaluated: 2023-11-04. Review status: criteria provided, single submitter. Criteria: ACMG Guidelines, 2015. Collection method: clinical testing. Allele origin: germline. Affected: no.

Genome-Nilou Lab
Classification: Benign for Usher syndrome type 2A. Last evaluated: 2023-11-04. Review status: criteria provided, single submitter. Criteria: ACMG Guidelines, 2015. Collection method: clinical testing. Allele origin: germline. Affected: no.

Laboratory for Molecular Medicine, Mass General Brigham Personalized Medicine
Classification: Likely benign. Last evaluated: 2012-04-30. Review status: criteria provided, single submitter. Criteria: LMM Criteria. Collection method: clinical testing. Allele origin: germline. Observed: 1 variant allele.
Comment: Thr4918Thr in Exon 67 of USH2A: This variant is not expected to have clinical si gnificance because it does not alter an amino acid residue, is not located withi n the splice consensus sequence, and has been identified in 0.3% (10/3738) of Af rican American chromosomes from a broad population by the NHLBI Exome Sequencing Project (dbSNP rs150286388).

Breakthrough Genomics
Classification: Likely benign. Review status: criteria provided, single submitter. Criteria: ACMG Guidelines, 2015. Collection method: not provided. Allele origin: germline. Inheritance: Autosomal recessive inheritance. Affected: yes.